The following is an entry in ClinVar:

NM_018685.5(ANLN):c.769G>A (p.Ala257Thr)

Gene: ANLN (anillin, actin binding protein; plus strand). Cytogenetic location: 7p14.2.
Variant type: single nucleotide variant.
Coding change: c.769G>A on transcript NM_018685.5 (MANE Select); coding-DNA position 769, G replaced by A.
Protein change: p.Ala257Thr; replaces alanine 257 with threonine.
Molecular consequence: missense variant.
Genome position (GRCh38, 1-based): chr7:36,406,462, G>A. VCF-style: chr7-36406462-G-A. GRCh37 (hg19) VCF-style: chr7-36446071-G-A.
Other names: c.769G>A, p.Ala257Thr (NM_001284301.3, NM_001284302.3); short protein forms A257T.
Identifiers: ClinVar variation 2803566 (VCV002803566.3), dbSNP rs2534535404, ClinGen allele CA367207248.

ClinVar aggregate classification (germline): Uncertain significance (1 of 4 stars; one submission).

Allele frequency attached by ClinVar (database versions not stated): gnomAD exomes below 0.00001.

Submission:

Labcorp Genetics (formerly Invitae), Labcorp
Classification: Uncertain significance. Last evaluated: 2023-08-04. Review status: criteria provided, single submitter. Criteria: Invitae Variant Classification Sherloc (09022015). Collection method: clinical testing. Allele origin: germline.
Comment: This sequence change replaces alanine, which is neutral and non-polar, with threonine, which is neutral and polar, at codon 257 of the ANLN protein (p.Ala257Thr). This variant is not present in population databases (gnomAD no frequency). This variant has not been reported in the literature in individuals affected with ANLN-related conditions. Algorithms developed to predict the effect of missense changes on protein structure and function output the following: SIFT: "Not Available"; PolyPhen-2: "Probably Damaging"; Align-GVGD: "Not Available". The threonine amino acid residue is found in multiple mammalian species, which suggests that this missense change does not adversely affect protein function. In summary, the available evidence is currently insufficient to determine the role of this variant in disease. Therefore, it has been classified as a Variant of Uncertain Significance.